The following is an entry in ClinVar:

NM_004204.5(PIGQ):c.233G>C (p.Gly78Ala)

Gene: PIGQ (phosphatidylinositol glycan anchor biosynthesis class Q; plus strand). Cytogenetic location: 16p13.3.
Variant type: single nucleotide variant.
Coding change: c.233G>C on transcript NM_004204.5 (MANE Select); coding-DNA position 233, G replaced by C.
Protein change: p.Gly78Ala; replaces glycine 78 with alanine.
Molecular consequence: missense variant.
Genome position (GRCh38, 1-based): chr16:574,307, G>C. VCF-style: chr16-574307-G-C. GRCh37 (hg19) VCF-style: chr16-624307-G-C.
Other names: c.233G>C, p.Gly78Ala (NM_148920.4); short protein forms G78A.
Identifiers: ClinVar variation 1436976 (VCV001436976.6), dbSNP rs1309943856, ClinGen allele CA394047040.
Genomic context (GRCh38, chr16:574,307, plus strand): 5'-TGGGCGTGGCCGTGCTGGGCACCTGGTGCCACTGCCGGCAGGAGCCCGAGGAGAGCCTGG[G>C]CCGCTTCCTGGAGAGCCTGGGTGCTGTCTTCCCCCATGAGCCCTGGCTGCGGCTGTGCCG-3'
Protein context (NP_004195.2, residues 68-88): HCRQEPEESL[Gly78Ala]RFLESLGAVF

ClinVar aggregate classification (germline): Uncertain significance (1 of 4 stars; one submission).

Conditions:
Epilepsy. Also called: Seizure disorder. Identifiers: MedGen C0014544, MeSH D004827, MONDO:0005027.

Allele frequency attached by ClinVar (database versions not stated): gnomAD 0.00001; TOPMed 0.00001.
gnomAD v4.1: 1 of 1,606,286 alleles (0.000062%); highest among the groups gnomAD compares: Non-Finnish European, 0.000085%; no homozygotes.

Submission:

Labcorp Genetics (formerly Invitae), Labcorp
Classification: Uncertain significance for Epilepsy. Last evaluated: 2024-01-29. Review status: criteria provided, single submitter. Criteria: Invitae Variant Classification Sherloc (09022015). Collection method: clinical testing. Allele origin: germline.
Comment: This sequence change replaces glycine, which is neutral and non-polar, with alanine, which is neutral and non-polar, at codon 78 of the PIGQ protein (p.Gly78Ala). This variant is not present in population databases (gnomAD no frequency). This variant has not been reported in the literature in individuals affected with PIGQ-related conditions. ClinVar contains an entry for this variant (Variation ID: 1436976). An algorithm developed to predict the effect of missense changes on protein structure and function (PolyPhen-2) suggests that this variant is likely to be tolerated. In summary, the available evidence is currently insufficient to determine the role of this variant in disease. Therefore, it has been classified as a Variant of Uncertain Significance.